The following is an entry in ClinVar:

NM_001698.3(AUH):c.305C>T (p.Ser102Leu)

Gene: AUH (AU RNA binding methylglutaconyl-CoA hydratase; minus strand). Cytogenetic location: 9q22.31.
Variant type: single nucleotide variant.
Coding change: c.305C>T on transcript NM_001698.3 (MANE Select); coding-DNA position 305, C replaced by T.
Protein change: p.Ser102Leu; replaces serine 102 with leucine.
Molecular consequence: missense variant. On other transcripts: 5 prime UTR variant (3).
Genome position (GRCh38, 1-based): chr9:91,356,113, G>A on the plus strand (C>T on the coding strand, the complement: AUH is on the minus strand). VCF-style: chr9-91356113-G-A. GRCh37 (hg19) VCF-style: chr9-94118395-G-A.
Other names: c.305C>T, p.Ser102Leu (NM_001306190.2); c.-23C>T (NM_001351431.2, NM_001351432.2, NM_001351433.2); short protein forms S102L.
Identifiers: ClinVar variation 1448014 (VCV001448014.5), dbSNP rs368115216, ClinGen allele CA195930585.
Genomic context (GRCh38, chr9:91,356,113, plus strand): 5'-ATATTAGAAGCAAACAGTTTAATCTTTACACTCACCATTTTTATAAGATTTTTACTGAGT[G>A]AATTTTTGCCATAAGCTCTGTTTATTCCAAGCACCACAATTCCTAGTTAAAGGGGAAAAA-3'
Protein context (NP_001689.1, residues 92-112): LGINRAYGKN[Ser102Leu]LSKNLIKMLS

ClinVar aggregate classification (germline): Uncertain significance (1 of 4 stars; one submission).

Conditions:
3-methylglutaconic aciduria type 1 (MGCA1). Identifiers: Orphanet 67046, MedGen C0342727, MONDO:0009610, OMIM 250950.

Allele frequency attached by ClinVar (database versions not stated): gnomAD exomes 0.00001 and below 0.00001; gnomAD 0.00001; TOPMed 0.00002; ESP Exome Variant Server 0.00008.
gnomAD v4.1: 10 of 1,613,500 alleles (0.00062%); highest among the groups gnomAD compares: African/African-American, 0.0013%; no homozygotes.

Submission:

Labcorp Genetics (formerly Invitae), Labcorp
Classification: Uncertain significance for 3-methylglutaconic aciduria type 1. Last evaluated: 2025-02-17. Review status: criteria provided, single submitter. Criteria: Invitae Variant Classification Sherloc (09022015). Collection method: clinical testing. Allele origin: germline.
Comment: This sequence change replaces serine, which is neutral and polar, with leucine, which is neutral and non-polar, at codon 102 of the AUH protein (p.Ser102Leu). This variant is present in population databases (rs368115216, gnomAD 0.0008%). This variant has not been reported in the literature in individuals affected with AUH-related conditions. ClinVar contains an entry for this variant (Variation ID: 1448014). Invitae Evidence Modeling of protein sequence and biophysical properties (such as structural, functional, and spatial information, amino acid conservation, physicochemical variation, residue mobility, and thermodynamic stability) indicates that this missense variant is not expected to disrupt AUH protein function with a negative predictive value of 80%. In summary, the available evidence is currently insufficient to determine the role of this variant in disease. Therefore, it has been classified as a Variant of Uncertain Significance.